The following is an entry in ClinVar:

ClinVar aggregate classification (germline): Likely pathogenic (1 of 4 stars; one submission).

Conditions:
Heyn-Sproul-Jackson syndrome. Also called: MICROCEPHALY, SHORT STATURE, AND IMPAIRED INTELLECTUAL DEVELOPMENT. Identifiers: Orphanet 658595, MedGen C5231475, MONDO:0032882, OMIM 618724.

Submission:

Wangler Lab, Baylor College of Medicine
Classification: Likely pathogenic for Heyn-Sproul-Jackson syndrome. Last evaluated: 2022-06-22. Review status: criteria provided, single submitter. Criteria: ACMG Guidelines, 2015. Collection method: research. Allele origin: unknown. Affected: yes. Observed: 1 heterozygote.
Comment: This missense variant at c.905G>C (p.G302A) in DNMT3A is located in the hotspot in the PWWP domain (PM1). This change has not been observed in gnomAD (PM2) and is predicted to be deleterious by multiple computational models (CADD: 26.600)(PP3). The evolutionary conservation of this residue is high. Missense variants in nearby residues (p.K299I, p.R318W, p.G332R) have been reported in affected individuals (PMID:29740169, 33182397). We presume this variant to be de novo, though only the maternal sample was able to be obtained (PM6). We predict this variant to be likely pathogenic.

Literature cited by the submitters: PubMed 29740169; PubMed 33182397.

NM_022552.5(DNMT3A):c.905G>C (p.Gly302Ala)

Gene: DNMT3A (DNA methyltransferase 3 alpha; minus strand). Cytogenetic location: 2p23.3.
Variant type: single nucleotide variant.
Coding change: c.905G>C on transcript NM_022552.5 (MANE Select); coding-DNA position 905, G replaced by C.
Protein change: p.Gly302Ala; replaces glycine 302 with alanine.
Molecular consequence: missense variant. On other transcripts: non-coding transcript variant (1).
Genome position (GRCh38, 1-based): chr2:25,247,700, C>G on the plus strand (G>C on the coding strand, the complement: DNMT3A is on the minus strand). VCF-style: chr2-25247700-C-G. GRCh37 (hg19) VCF-style: chr2-25470569-C-G.
Other names: c.449G>C, p.Gly150Ala (NM_001320893.1); c.236G>C, p.Gly79Ala (NM_001375819.1); c.338G>C, p.Gly113Ala (NM_153759.3); c.905G>C, p.Gly302Ala (NM_175629.2); short protein forms G113A, G150A, G302A, G79A.
Identifiers: ClinVar variation 1695907 (VCV001695907.4), dbSNP rs1674986110, ClinGen allele CA346075172.